The following is an entry in ClinVar:

ClinVar aggregate classification (germline): Uncertain significance (1 of 4 stars; one submission).

Allele frequency attached by ClinVar (database versions not stated): gnomAD exomes 0.00001; TOPMed 0.00001; ExAC 0.00002; ESP Exome Variant Server 0.00008.
gnomAD v4.1: 6 of 1,613,872 alleles (0.00037%); highest among the groups gnomAD compares: African/African-American, 0.0013%; no homozygotes.

Submission:

Labcorp Genetics (formerly Invitae), Labcorp
Classification: Uncertain significance. Last evaluated: 2022-12-23. Review status: criteria provided, single submitter. Criteria: Invitae Variant Classification Sherloc (09022015). Collection method: clinical testing. Allele origin: germline.
Comment: This sequence change replaces proline, which is neutral and non-polar, with leucine, which is neutral and non-polar, at codon 428 of the UMOD protein (p.Pro428Leu). This variant is present in population databases (rs371364890, gnomAD 0.007%). This variant has not been reported in the literature in individuals affected with UMOD-related conditions. ClinVar contains an entry for this variant (Variation ID: 1039291). Advanced modeling of protein sequence and biophysical properties (such as structural, functional, and spatial information, amino acid conservation, physicochemical variation, residue mobility, and thermodynamic stability) has been performed at Invitae for this missense variant, however the output from this modeling did not meet the statistical confidence thresholds required to predict the impact of this variant on UMOD protein function. In summary, the available evidence is currently insufficient to determine the role of this variant in disease. Therefore, it has been classified as a Variant of Uncertain Significance.

NM_003361.4(UMOD):c.1283C>T (p.Pro428Leu)

Gene: UMOD (uromodulin; minus strand). Cytogenetic location: 16p12.3.
Variant type: single nucleotide variant.
Coding change: c.1283C>T on transcript NM_003361.4 (MANE Select); coding-DNA position 1283, C replaced by T.
Protein change: p.Pro428Leu; replaces proline 428 with leucine.
Molecular consequence: missense variant. On other transcripts: non-coding transcript variant (1).
Genome position (GRCh38, 1-based): chr16:20,344,072, G>A on the plus strand (C>T on the coding strand, the complement: UMOD is on the minus strand). VCF-style: chr16-20344072-G-A. GRCh37 (hg19) VCF-style: chr16-20355394-G-A.
Other names: c.1283C>T, p.Pro428Leu (NM_001008389.3, NM_001378232.1, NM_001378233.1 and 3 more transcripts); c.1382C>T, p.Pro461Leu (NM_001278614.2); short protein forms P461L, P428L.
Identifiers: ClinVar variation 1039291 (VCV001039291.8), dbSNP rs371364890, ClinGen allele CA7939215.